The following is an entry in ClinVar:

NM_024577.4(SH3TC2):c.602G>A (p.Cys201Tyr)

Gene: SH3TC2 (SH3 domain and tetratricopeptide repeats 2; minus strand). Cytogenetic location: 5q32.
Variant type: single nucleotide variant.
Coding change: c.602G>A on transcript NM_024577.4 (MANE Select); coding-DNA position 602, G replaced by A.
Protein change: p.Cys201Tyr; replaces cysteine 201 with tyrosine.
Molecular consequence: missense variant.
Genome position (GRCh38, 1-based): chr5:149,041,545, C>T on the plus strand (G>A on the coding strand, the complement: SH3TC2 is on the minus strand). VCF-style: chr5-149041545-C-T. GRCh37 (hg19) VCF-style: chr5-148421108-C-T.
Other names: short protein forms C201Y.
Identifiers: ClinVar variation 1964025 (VCV001964025.5), dbSNP rs763627088, ClinGen allele CA3499449.

ClinVar aggregate classification (germline): Uncertain significance (1 of 4 stars; one submission).

Conditions:
Charcot-Marie-Tooth disease type 4. Also called: Charcot-Marie-Tooth disease, type IV; Charcot-Marie-Tooth, Type 4. Identifiers: Orphanet 64749, MedGen C4082197, MONDO:0018995.

Allele frequency attached by ClinVar (database versions not stated): gnomAD exomes below 0.00001; ExAC 0.00001; gnomAD 0.00001.

Submission:

Labcorp Genetics (formerly Invitae), Labcorp
Classification: Uncertain significance for Charcot-Marie-Tooth disease type 4. Last evaluated: 2023-04-24. Review status: criteria provided, single submitter. Criteria: Invitae Variant Classification Sherloc (09022015). Collection method: clinical testing. Allele origin: germline.
Comment: This variant has not been reported in the literature in individuals affected with SH3TC2-related conditions. ClinVar contains an entry for this variant (Variation ID: 1964025). Advanced modeling of protein sequence and biophysical properties (such as structural, functional, and spatial information, amino acid conservation, physicochemical variation, residue mobility, and thermodynamic stability) performed at Invitae indicates that this missense variant is not expected to disrupt SH3TC2 protein function. In summary, the available evidence is currently insufficient to determine the role of this variant in disease. Therefore, it has been classified as a Variant of Uncertain Significance. This sequence change replaces cysteine, which is neutral and slightly polar, with tyrosine, which is neutral and polar, at codon 201 of the SH3TC2 protein (p.Cys201Tyr). This variant is present in population databases (rs763627088, gnomAD 0.004%).